The following is an entry in ClinVar:

NM_000540.3(RYR1):c.13039G>A (p.Gly4347Ser)

Gene: RYR1 (ryanodine receptor 1; plus strand). Cytogenetic location: 19q13.2.
Variant type: single nucleotide variant.
Coding change: c.13039G>A on transcript NM_000540.3 (MANE Select); coding-DNA position 13039, G replaced by A.
Protein change: p.Gly4347Ser; replaces glycine 4347 with serine.
Molecular consequence: missense variant.
Genome position (GRCh38, 1-based): chr19:38,565,373, G>A. VCF-style: chr19-38565373-G-A. GRCh37 (hg19) VCF-style: chr19-39056013-G-A.
Other names: c.13024G>A, p.Gly4342Ser (NM_001042723.2); short protein forms G4347S, G4342S.
Identifiers: ClinVar variation 590422 (VCV000590422.8), dbSNP rs1568583100, ClinGen allele CA405673159.

ClinVar aggregate classification (germline): Uncertain significance. Review status: criteria provided, multiple submitters, no conflicts (2 of 4 stars). 4 submissions from 4 submitters: Uncertain significance (4). Last evaluated 2025-07-31.

Conditions:
Congenital multicore myopathy with external ophthalmoplegia (CMYO1B). Also called: MULTIMINICORE DISEASE WITH EXTERNAL OPHTHALMOPLEGIA; Congenital myopathy 1B, autosomal recessive; Minicore myopathy; Minicore myopathy with external ophthalmoplegia; MULTICORE MYOPATHY. Identifiers: Orphanet 598, Orphanet 98905, MedGen C1850674, MONDO:0009712, OMIM 255320, HP:0003789.
Malignant hyperthermia, susceptibility to, 1 (MHS1). Also called: Malignant hyperthermia suceptibility 1; Anesthesia related hyperthermia; Malignant hyperpyrexia; Fulminating hyperpyrexia; Pharmacogenic myopathy; RYR1-Related Malignant Hyperthermia Susceptibility. Identifiers: Orphanet 423, MedGen C2930980, MONDO:0007783, OMIM 145600.
King Denborough syndrome (KDS). Identifiers: MedGen C1840365, MONDO:0020485, OMIM 619542.
Congenital myopathy with fiber type disproportion. Also called: Congenital fiber-type disproportion myopathy; Congenital fiber-type disproportion. Identifiers: Orphanet 2020, MedGen C0546264, MONDO:0009711. Inheritance: all.
Central core myopathy (CMYO1A). Also called: CONGENITAL MYOPATHY 1A, AUTOSOMAL DOMINANT, WITH SUSCEPTIBILITY TO MALIGNANT HYPERTHERMIA; Central core disease; Myopathy, central fibrillar. Identifiers: Orphanet 597, MedGen C5830701, MONDO:0007294, OMIM 117000.

Allele frequency attached by ClinVar (database versions not stated): gnomAD exomes below 0.00001; gnomAD 0.00001; TOPMed 0.00001.
gnomAD v4.1: 2 of 1,332,718 alleles (0.00015%); highest among the groups gnomAD compares: African/African-American, 0.0016%; no homozygotes.

Submissions (4):

GeneDx
Classification: Uncertain significance. Last evaluated: 2025-07-31. Review status: criteria provided, single submitter. Criteria: GeneDx Variant Classification Process June 2021. Collection method: clinical testing. Allele origin: germline.
Comment: Reported in a patient from a cohort of individuals with presumed RYR1-related myopathy in published literature; however, no further clinical or segregation information was provided (PMID: 32236737); Not observed at significant frequency in large population cohorts (gnomAD); In silico analysis suggests that this missense variant does not alter protein structure/function; This variant is associated with the following publications: (PMID: 32236737)

Fulgent Genetics
Classification: Uncertain significance for Central core myopathy; Malignant hyperthermia, susceptibility to, 1; Congenital myopathy 4A, autosomal dominant; Congenital multicore myopathy with external ophthalmoplegia; King Denborough syndrome. Last evaluated: 2021-08-24. Review status: criteria provided, single submitter. Criteria: ACMG Guidelines, 2015. Collection method: clinical testing. Allele origin: unknown.

Revvity Omics, Revvity
Classification: Uncertain significance. Last evaluated: 2019-09-05. Review status: criteria provided, single submitter. Criteria: ACMG Guidelines, 2015. Collection method: clinical testing. Allele origin: germline.

PreventionGenetics, part of Exact Sciences
Classification: Uncertain significance. Last evaluated: 2015-08-24. Review status: criteria provided, single submitter. Criteria: ACMG Guidelines, 2015. Collection method: clinical testing. Allele origin: germline.